The following is an entry in ClinVar:

NM_014484.5(MOCS3):c.1111C>G (p.Leu371Val)

Gene: MOCS3 (molybdenum cofactor synthesis 3; plus strand). Cytogenetic location: 20q13.13.
Variant type: single nucleotide variant.
Coding change: c.1111C>G on transcript NM_014484.5 (MANE Select); coding-DNA position 1111, C replaced by G.
Protein change: p.Leu371Val; replaces leucine 371 with valine.
Molecular consequence: missense variant.
Genome position (GRCh38, 1-based): chr20:50,959,953, C>G. VCF-style: chr20-50959953-C-G. GRCh37 (hg19) VCF-style: chr20-49576490-C-G.
Other names: short protein forms L371V.
Identifiers: ClinVar variation 1474894 (VCV001474894.5), dbSNP rs141341922, ClinGen allele CA9909538.

ClinVar aggregate classification (germline): Uncertain significance (1 of 4 stars; one submission).

Allele frequency attached by ClinVar (database versions not stated): gnomAD 0.00003 and 0.00004; ExAC 0.00004; gnomAD exomes 0.00004 and 0.00005; TOPMed 0.00005; ESP Exome Variant Server 0.00008.

Submission:

Labcorp Genetics (formerly Invitae), Labcorp
Classification: Uncertain significance. Last evaluated: 2025-06-02. Review status: criteria provided, single submitter. Criteria: Invitae Variant Classification Sherloc (09022015). Collection method: clinical testing. Allele origin: germline.
Comment: This sequence change replaces leucine, which is neutral and non-polar, with valine, which is neutral and non-polar, at codon 371 of the MOCS3 protein (p.Leu371Val). This variant is present in population databases (rs141341922, gnomAD 0.01%). This variant has not been reported in the literature in individuals affected with MOCS3-related conditions. ClinVar contains an entry for this variant (Variation ID: 1474894). An algorithm developed to predict the effect of missense changes on protein structure and function (PolyPhen-2) suggests that this variant is likely to be tolerated. In summary, the available evidence is currently insufficient to determine the role of this variant in disease. Therefore, it has been classified as a Variant of Uncertain Significance.